The following is an entry in ClinVar:

NM_018127.7(ELAC2):c.56_73del (p.Gly19_Gln24del)

Gene: ELAC2 (elaC ribonuclease Z 2; minus strand). Cytogenetic location: 17p12.
Variant type: Deletion.
Coding change: c.56_73del on transcript NM_018127.7 (MANE Select); coding-DNA positions 56 to 73, 18 bases deleted (GACGCACCATATCGCAGG).
Protein change: p.Gly19_Gln24del.
Molecular consequence: inframe deletion.
Genome position (GRCh38, 1-based): chr17:13,017,875-13,017,892, CCTGCGATATGGTGCGTC deleted on the plus strand (GACGCACCATATCGCAGG on the coding strand, the reverse complement: ELAC2 is on the minus strand); deleting any 18 consecutive bases within chr17:13,017,875-13,017,899 gives the same sequence; the c. name uses the placement nearest the transcript's 3' end. VCF-style (leftmost placement, unchanged base first): chr17-13017874-GCCTGCGATATGGTGCGTC-G. GRCh37 (hg19) VCF-style: chr17-12921191-GCCTGCGATATGGTGCGTC-G.
Other names: c.56_73del, p.Gly19_Gln24del (NM_001165962.2, NM_173717.2).
Identifiers: ClinVar variation 856553 (VCV000856553.5), dbSNP rs771710773, ClinGen allele CA8401847.

ClinVar aggregate classification (germline): Uncertain significance (1 of 4 stars; one submission).

Conditions:
Combined oxidative phosphorylation defect type 17. Also called: Combined oxidative phosphorylation deficiency 17. Identifiers: Orphanet 369913, MedGen C3809526, MONDO:0014190, OMIM 615440.

Submission:

Labcorp Genetics (formerly Invitae), Labcorp
Classification: Uncertain significance for Combined oxidative phosphorylation defect type 17. Last evaluated: 2024-08-20. Review status: criteria provided, single submitter. Criteria: Invitae Variant Classification Sherloc (09022015). Collection method: clinical testing. Allele origin: germline.
Comment: This variant, c.56_73del, results in the deletion of 6 amino acid(s) of the ELAC2 protein (p.Gly19_Gln24del), but otherwise preserves the integrity of the reading frame. This variant is present in population databases (rs771710773, gnomAD 0.02%). This variant has not been reported in the literature in individuals affected with ELAC2-related conditions. ClinVar contains an entry for this variant (Variation ID: 856553). Experimental studies and prediction algorithms are not available or were not evaluated, and the functional significance of this variant is currently unknown. In summary, the available evidence is currently insufficient to determine the role of this variant in disease. Therefore, it has been classified as a Variant of Uncertain Significance.